The following is an entry in ClinVar:

NM_153717.3(EVC):c.1652dup (p.Glu552fs)

Gene: EVC (EvC ciliary complex subunit 1; plus strand). Cytogenetic location: 4p16.2.
Variant type: Duplication.
Coding change: c.1652dup on transcript NM_153717.3 (MANE Select); coding-DNA position 1652, one base duplicated (C; older notation c.1652dupC).
Protein change: p.Glu552fs; shifts the reading frame from glutamic acid 552.
Molecular consequence: frameshift variant.
Genome position (GRCh38, 1-based): chr4:5,783,640, C duplicated; the last of 6 consecutive C bases (chr4:5,783,635-5,783,640); duplicating any one gives the same sequence. VCF-style (leftmost placement, unchanged base first): chr4-5783634-T-TC. GRCh37 (hg19) VCF-style: chr4-5785361-T-TC.
Other names: c.1652dup (NM_153717.2); c.1652dup, p.Glu552fs (NM_001306090.2); short protein forms E552fs.
Identifiers: ClinVar variation 2940560 (VCV002940560.6), dbSNP rs1312383000, ClinGen allele CA549408278.

ClinVar aggregate classification (germline): Pathogenic/Likely pathogenic. Review status: criteria provided, multiple submitters, no conflicts (2 of 4 stars). 3 submissions from 3 submitters: Pathogenic (1); Likely pathogenic (2). Last evaluated 2025-02-03.

Conditions:
Curry-Hall syndrome (WAD). Also called: WEYERS ACRODENTAL DYSOSTOSIS. Identifiers: Orphanet 952, MedGen C0457013, MONDO:0008673, OMIM 193530.
Ellis-van Creveld syndrome (EVC). Also called: EVC-Related Ellis-van Creveld Syndrome; EVC2-Related Ellis-van Creveld Syndrome; MESOECTODERMAL DYSPLASIA; Chondroectodermal dysplasia. Identifiers: Orphanet 289, MedGen C0013903, MONDO:0009162, OMIM 225500.

Submissions (3):

Natera, Inc.
Classification: Likely pathogenic for Ellis-van Creveld syndrome. Last evaluated: 2025-02-03. Review status: criteria provided, single submitter. Criteria: Natera Variant Classification Schema (03/2026). Collection method: clinical testing. Allele origin: germline.
Comment: The c.1652dup variant in EVC is a frameshift variant predicted to shift the reading frame beginning at codon 552 and leads to a stop codon 4 codons downstream. This variant is expected to result in nonsense mediated decay, truncation, or a dysfunctional protein product. This variant is rare in the general population with a frequency below the threshold expected for the associated phenotype(s). Given the available evidence, this variant is classified as Likely Pathogenic.

Fulgent Genetics
Classification: Likely pathogenic for Curry-Hall syndrome; Ellis-van Creveld syndrome. Last evaluated: 2024-05-01. Review status: criteria provided, single submitter. Criteria: ACMG Guidelines, 2015. Collection method: clinical testing. Allele origin: germline.

Labcorp Genetics (formerly Invitae), Labcorp
Classification: Pathogenic for Curry-Hall syndrome; Ellis-van Creveld syndrome. Last evaluated: 2023-08-24. Review status: criteria provided, single submitter. Criteria: Invitae Variant Classification Sherloc (09022015). Collection method: clinical testing. Allele origin: germline.
Comment: This variant is present in population databases (no rsID available, gnomAD 0.007%). This sequence change creates a premature translational stop signal (p.Glu552Glyfs*4) in the EVC gene. It is expected to result in an absent or disrupted protein product. Loss-of-function variants in EVC are known to be pathogenic (PMID: 23220543). This variant has not been reported in the literature in individuals affected with EVC-related conditions. For these reasons, this variant has been classified as Pathogenic.

Literature cited by the submitters: PubMed 23220543 (cited by Labcorp Genetics (formerly Invitae), Labcorp).